The following is an entry in ClinVar:

ClinVar aggregate classification (germline): Likely benign. Review status: criteria provided, single submitter (1 of 4 stars). 2 submissions from 2 submitters: Likely benign (1). 1 of the submissions does not count toward it. Last evaluated 2020-12-14.

Conditions:
TTN-related disorder. Also called: TTN-related disorders; TTN-related condition; TTN-related disease.

Allele frequency attached by ClinVar (database versions not stated): gnomAD exomes 0.00001 and 0.00002; TOPMed 0.00002; ExAC 0.00003; gnomAD 0.00003.
gnomAD v4.1: 8 of 1,612,580 alleles (0.0005%); highest among the groups gnomAD compares: African/African-American, 0.011%; no homozygotes.

Submissions (2):

GeneDx
Classification: Likely benign. Last evaluated: 2020-12-14. Review status: criteria provided, single submitter. Criteria: GeneDx Variant Classification Process June 2021. Collection method: clinical testing. Allele origin: germline. Affected: yes.
Comment: Has not been previously published as pathogenic or benign to our knowledge

PreventionGenetics, part of Exact Sciences
Classification: Uncertain significance for TTN-related condition. Last evaluated: 2024-04-17. Review status: no assertion criteria provided. Collection method: clinical testing. Allele origin: germline. Not counted in ClinVar's aggregate classification.
Comment: The TTN c.72973G>C variant is predicted to result in the amino acid substitution p.Gly24325Arg. To our knowledge, this variant has not been reported in the literature. This variant is reported in 0.025% of alleles in individuals of African descent in gnomAD. At this time, the clinical significance of this variant is uncertain due to the absence of conclusive functional and genetic evidence.

NM_001267550.2(TTN):c.72973G>C (p.Gly24325Arg)

Genes: TTN-AS1 (TTN antisense RNA 1; plus strand), TTN (titin; minus strand). Cytogenetic location: 2q31.2.
Variant type: single nucleotide variant.
Coding change: c.72973G>C on transcript NM_001267550.2 (MANE Select); coding-DNA position 72973, G replaced by C.
Protein change: p.Gly24325Arg; replaces glycine 24325 with arginine.
Molecular consequence: missense variant.
Genome position (GRCh38, 1-based): chr2:178,573,159, C>G on the plus strand (G>C on the coding strand, the complement: TTN is on the minus strand). VCF-style: chr2-178573159-C-G. GRCh37 (hg19) VCF-style: chr2-179437886-C-G.
Other names: c.68050G>C, p.Gly22684Arg (NM_001256850.1); c.45778G>C, p.Gly15260Arg (NM_003319.4); c.65269G>C, p.Gly21757Arg (NM_133378.4); c.46153G>C, p.Gly15385Arg (NM_133432.3); c.46354G>C, p.Gly15452Arg (NM_133437.4); short protein forms G15260R, G15385R, G15452R, G21757R, G22684R, G24325R.
Identifiers: ClinVar variation 1192974 (VCV001192974.3), dbSNP rs755886285, ClinGen allele CA1990431.